The following is an entry in ClinVar:

ClinVar aggregate classification (germline): Likely benign. Review status: reviewed by expert panel (3 of 4 stars). 7 submissions from 7 submitters: Likely benign (1). 6 of the submissions do not count toward it. Last evaluated 2022-07-07.

Conditions:
Hereditary thrombocytopenia and hematological cancer predisposition syndrome associated with RUNX1. Also called: Familial Platelet Disorder with Propensity to Acute Myelogenous Leukemia; PLATELET DISORDER, ASPIRIN-LIKE; Familial thrombocytopenia with propensity to acute myelogenous leukemia; RUNX1 Familial Platelet Disorder with Associated Myeloid Malignancies. Identifiers: Orphanet 71290, MedGen C1832388, MeSH C563324, MONDO:0100083, OMIM 601399.
Hereditary thrombocytopenia and hematologic cancer predisposition syndrome. Identifiers: Orphanet 71290, MedGen CN281654, MONDO:0011071.
Inborn genetic diseases. Identifiers: MedGen C0950123, MeSH D030342.

Allele frequency attached by ClinVar (database versions not stated): gnomAD 0.00003; gnomAD exomes 0.00003; TOPMed 0.00005; ExAC 0.00006; ESP Exome Variant Server 0.00008.
gnomAD v4.1: 71 of 1,595,404 alleles (0.0045%); highest among the groups gnomAD compares: Middle Eastern, 0.099%; 1 homozygote.

Submissions (7):

ClinGen Myeloid Malignancy Variant Curation Expert Panel
Classification: Likely benign for Hereditary thrombocytopenia and hematologic cancer predisposition syndrome. Last evaluated: 2022-07-07. Review status: reviewed by expert panel. Criteria: ClinGen MyeloMalig ACMG Specifications v2. Collection method: curation. Allele origin: germline. Inheritance: Autosomal dominant inheritance.
Comment: NM_001754.4(RUNX1):c.984A>G (p.Thr328=) is a synonymous variant. There is NO predicted effect on the gene product; REVEL is not calculable. SpliceAI predicts: Acceptor loss 0.00, Donor loss 0.00, Acceptor gain 0.00, Donor gain 0.00. As such, there appears to be NO effect on splicing (BP4. Evolutionary conservation prediction algorithms predict the site as not being conserved (PhyloP score -3.2495 which is < 2.0)(BP7). In summary, this variant meets the criteria to be classified as likely benign. ACMG/AMP criteria applied, as specified by the Myeloid Malignancy Variant Curation Expert Panel for RUNX1: BP4, BP7.

Labcorp Genetics (formerly Invitae), Labcorp
Classification: Likely benign for Hereditary thrombocytopenia and hematological cancer predisposition syndrome associated with RUNX1. Last evaluated: 2026-01-05. Review status: criteria provided, single submitter. Criteria: Invitae Variant Classification Sherloc (09022015). Collection method: clinical testing. Allele origin: germline. Not counted in ClinVar's aggregate classification.

KCCC/NGS Laboratory, Kuwait Cancer Control Center
Classification: Benign for Hereditary thrombocytopenia and hematological cancer predisposition syndrome associated with RUNX1. Last evaluated: 2025-02-01. Review status: criteria provided, single submitter. Criteria: ACMG Guidelines, 2015. Collection method: clinical testing. Allele origin: germline. Affected: no. Not counted in ClinVar's aggregate classification.

Ambry Genetics
Classification: Likely benign for Inborn genetic diseases. Last evaluated: 2024-10-17. Review status: criteria provided, single submitter. Criteria: Ambry Variant Classification Scheme 2023. Collection method: clinical testing. Allele origin: germline. Not counted in ClinVar's aggregate classification.

Blueprint Genetics
Classification: Likely benign. Last evaluated: 2024-09-16. Review status: criteria provided, single submitter. Criteria: ACMG Guidelines, 2015. Collection method: clinical testing. Allele origin: germline. Not counted in ClinVar's aggregate classification.

Genetic Services Laboratory, University of Chicago
Classification: Likely benign. Last evaluated: 2018-11-01. Review status: criteria provided, single submitter. Criteria: ACMG Guidelines, 2015. Collection method: clinical testing. Allele origin: germline. Affected: no. Not counted in ClinVar's aggregate classification.

PreventionGenetics, part of Exact Sciences
Classification: Likely benign. Review status: criteria provided, single submitter. Criteria: ACMG Guidelines, 2015. Collection method: clinical testing. Allele origin: germline. Not counted in ClinVar's aggregate classification.

NM_001754.5(RUNX1):c.984A>G (p.Thr328=)

Gene: RUNX1 (RUNX family transcription factor 1; minus strand). Cytogenetic location: 21q22.12.
Variant type: single nucleotide variant.
Coding change: c.984A>G on transcript NM_001754.5 (MANE Select); coding-DNA position 984, A replaced by G.
Protein change: p.Thr328=; no amino-acid change (threonine 328 retained).
Molecular consequence: synonymous variant.
Genome position (GRCh38, 1-based): chr21:34,792,594, T>C on the plus strand (A>G on the coding strand, the complement: RUNX1 is on the minus strand). VCF-style: chr21-34792594-T-C. GRCh37 (hg19) VCF-style: chr21-36164891-T-C.
Other names: NM_001754.4(RUNX1):c.984A>G; p.Thr328=; c.903A>G, p.Thr301= (NM_001001890.3).
Identifiers: ClinVar variation 258187 (VCV000258187.21), dbSNP rs377305704, ClinGen allele CA10014227.
Genomic context (GRCh38, chr21:34,792,594, plus strand): 5'-GTGCATGCGGGGGTCGGAGATGGAGGGCAGCGCGGGGAACTGGCGCGGGTCGCTGAACGC[T>C]GTCAGGTCGGGTGCCGCTGCAGGGCGGGCAAGAGAACGGAGCGGAAGTGAGTAGGAGGTT-3'
Protein context (NP_001745.2, residues 318-338): SSRLSTAPDL[Thr328=]AFSDPRQFPA